The following is an entry in ClinVar:

NM_004360.5(CDH1):c.155T>C (p.Leu52Pro)

Gene: CDH1 (cadherin 1; plus strand). Cytogenetic location: 16q22.1.
Variant type: single nucleotide variant.
Coding change: c.155T>C on transcript NM_004360.5 (MANE Select); coding-DNA position 155, T replaced by C.
Protein change: p.Leu52Pro; replaces leucine 52 with proline.
Molecular consequence: missense variant. On other transcripts: 5 prime UTR variant (2).
Genome position (GRCh38, 1-based): chr16:68,738,403, T>C. VCF-style: chr16-68738403-T-C. GRCh37 (hg19) VCF-style: chr16-68772306-T-C.
Other names: c.155T>C, p.Leu52Pro (NM_001317184.2); c.-1461T>C (NM_001317185.2); c.-1665T>C (NM_001317186.2); short protein forms L52P.
Identifiers: ClinVar variation 1023472 (VCV001023472.9), dbSNP rs1367719041, ClinGen allele CA396452304.
Genomic context (GRCh38, chr16:68,738,403, plus strand): 5'-TTGACGCCGAGAGCTACACGTTCACGGTGCCCCGGCGCCACCTGGAGAGAGGCCGCGTCC[T>C]GGGCAGAGGTGAGGGCGCGCTGCCGGTGTCCCTGGGCGGAGTAGGGAGGGGTTGGAAAGG-3'
Protein context (NP_004351.1, residues 42-62): PRRHLERGRV[Leu52Pro]GRVNFEDCTG

ClinVar aggregate classification (germline): Uncertain significance (1 of 4 stars; one submission).

Conditions:
Hereditary diffuse gastric adenocarcinoma (HDGC). Also called: DIFFUSE GASTRIC AND LOBULAR BREAST CANCER SYNDROME. Identifiers: Orphanet 26106, MedGen C1708349, MONDO:0007648, OMIM 137215.

Submission:

Labcorp Genetics (formerly Invitae), Labcorp
Classification: Uncertain significance for Hereditary diffuse gastric adenocarcinoma. Last evaluated: 2020-03-23. Review status: criteria provided, single submitter. Criteria: Invitae Variant Classification Sherloc (09022015). Collection method: clinical testing. Allele origin: germline.
Comment: This sequence change replaces leucine with proline at codon 52 of the CDH1 protein (p.Leu52Pro). The leucine residue is highly conserved and there is a moderate physicochemical difference between leucine and proline. This variant is not present in population databases (ExAC no frequency). This variant has not been reported in the literature in individuals with CDH1-related conditions. Algorithms developed to predict the effect of missense changes on protein structure and function are either unavailable or do not agree on the potential impact of this missense change (SIFT: "Deleterious"; PolyPhen-2: "Probably Damaging"; Align-GVGD: "Class C0"). In summary, the available evidence is currently insufficient to determine the role of this variant in disease. Therefore, it has been classified as a Variant of Uncertain Significance.